The following is an entry in ClinVar:

NM_015450.3(POT1):c.703-233G>A

Gene: POT1 (protection of telomeres 1; minus strand). Cytogenetic location: 7q31.33.
Variant type: single nucleotide variant.
Coding change: c.703-233G>A on transcript NM_015450.3 (MANE Select); 233 bases into the intron before coding-DNA position 703, G replaced by A.
Molecular consequence: intron variant.
Genome position (GRCh38, 1-based): chr7:124,853,371, C>T on the plus strand (G>A on the coding strand, the complement: POT1 is on the minus strand). VCF-style: chr7-124853371-C-T. GRCh37 (hg19) VCF-style: chr7-124493425-C-T.
Other names: c.310-233G>A (NM_001042594.2).
Identifiers: ClinVar variation 678414 (VCV000678414.1), dbSNP rs150979715, ClinGen allele CA166065518.
Genomic context (GRCh38, chr7:124,853,371, plus strand): 5'-CACTACATCAAAACTAAATATATGGACATGTGCATGCATATGCGTGTGTGCACACACATA[C>T]ATATACACACACATTCAACTGTAAGAGATATTTCCATTTCAGATCTATTAAAATGTGAAA-3'

ClinVar aggregate classification (germline): Likely benign (1 of 4 stars; one submission).

Allele frequency attached by ClinVar (database versions not stated): gnomAD 0.00505 and 0.00542; TOPMed 0.00583; 1000 Genomes Project 0.00719; 1000 Genomes Project 30x 0.00734.
gnomAD v4.1: 951 of 335,122 alleles (0.28%); highest among the groups gnomAD compares: African/African-American, 1.7%; 10 homozygotes.

Submission:

GeneDx
Classification: Likely benign. Last evaluated: 2018-06-14. Review status: criteria provided, single submitter. Criteria: GeneDx Variant Classification (06012015). Collection method: clinical testing. Allele origin: germline. Affected: yes.
Comment: This variant is considered likely benign or benign based on one or more of the following criteria: it is a conservative change, it occurs at a poorly conserved position in the protein, it is predicted to be benign by multiple in silico algorithms, and/or has population frequency not consistent with disease.